The following is an entry in ClinVar:

ClinVar aggregate classification (germline): Uncertain significance (1 of 4 stars; one submission).

Submission:

GeneDx
Classification: Uncertain significance. Last evaluated: 2024-07-10. Review status: criteria provided, single submitter. Criteria: GeneDx Variant Classification Process June 2021. Collection method: clinical testing. Allele origin: germline. Affected: yes.
Comment: Not observed at significant frequency in large population cohorts (gnomAD); In silico analysis supports that this missense variant has a deleterious effect on protein structure/function; Has not been previously published as pathogenic or benign to our knowledge

NM_001429.4(EP300):c.2404C>T (p.Pro802Ser)

Gene: EP300 (E1A binding protein p300; plus strand). Cytogenetic location: 22q13.2.
Variant type: single nucleotide variant.
Coding change: c.2404C>T on transcript NM_001429.4 (MANE Select); coding-DNA position 2404, C replaced by T.
Protein change: p.Pro802Ser; replaces proline 802 with serine.
Molecular consequence: missense variant.
Genome position (GRCh38, 1-based): chr22:41,149,785, C>T. VCF-style: chr22-41149785-C-T. GRCh37 (hg19) VCF-style: chr22-41545789-C-T.
Other names: c.2326C>T, p.Pro776Ser (NM_001362843.2); short protein forms P776S, P802S.
Identifiers: ClinVar variation 3252491 (VCV003252491.1), dbSNP rs2059032664.
Genomic context (GRCh38, chr22:41,149,785, plus strand): 5'-TGAATTGCTGTCTTGTTATGTTTTTTATTTTAACAGGCACAAATGTCTAGTTCTTCCTGC[C>T]CGGTGAACTCTCCTATAATGCCTCCAGGGTCTCAGGGGAGCCACATTCACTGTCCCCAGC-3'
Protein context (NP_001420.2, residues 792-812): SQAQMSSSSC[Pro802Ser]VNSPIMPPGS